The following is an entry in ClinVar:

NM_014915.3(ANKRD26):c.3107G>A (p.Arg1036Lys)

Gene: ANKRD26 (ankyrin repeat domain 26; minus strand). Cytogenetic location: 10p12.1.
Variant type: single nucleotide variant.
Coding change: c.3107G>A on transcript NM_014915.3 (MANE Select); coding-DNA position 3107, G replaced by A.
Protein change: p.Arg1036Lys; replaces arginine 1036 with lysine.
Molecular consequence: missense variant.
Genome position (GRCh38, 1-based): chr10:27,035,343, C>T on the plus strand (G>A on the coding strand, the complement: ANKRD26 is on the minus strand). VCF-style: chr10-27035343-C-T. GRCh37 (hg19) VCF-style: chr10-27324272-C-T.
Other names: c.3104G>A, p.Arg1035Lys (NM_001256053.2); short protein forms R1035K, R1036K.
Identifiers: ClinVar variation 2883819 (VCV002883819.4), dbSNP rs770274264, ClinGen allele CA5448096.
Genomic context (GRCh38, chr10:27,035,343, plus strand): 5'-TTTAGGTTAGACACATCAAAATTCATTTTGTCCTGTAAACGAGAACATTCATCTCTTGCT[C>T]TCTGGAAAGCAAGTTCTAGTTCTCTTTTTGATGTCTCACTTTGATCACGATCATGTATAG-3'
Protein context (NP_055730.2, residues 1026-1046): SKRELELAFQ[Arg1036Lys]ARDECSRLQD

ClinVar aggregate classification (germline): Uncertain significance. Review status: criteria provided, multiple submitters, no conflicts (2 of 4 stars). 2 submissions from 2 submitters: Uncertain significance (2). Last evaluated 2024-03-05.

Allele frequency attached by ClinVar (database versions not stated): ExAC 0.00001; gnomAD exomes 0.00001.
gnomAD v4.1: 16 of 1,613,932 alleles (0.00099%); highest among the groups gnomAD compares: Non-Finnish European, 0.0012%; no homozygotes.

Submissions (2):

GeneDx
Classification: Uncertain significance. Last evaluated: 2024-03-05. Review status: criteria provided, single submitter. Criteria: GeneDx Variant Classification Process June 2021. Collection method: clinical testing. Allele origin: germline. Affected: yes.
Comment: Not observed at significant frequency in large population cohorts (gnomAD); In silico analysis supports that this missense variant does not alter protein structure/function; Has not been previously published as pathogenic or benign to our knowledge

Labcorp Genetics (formerly Invitae), Labcorp
Classification: Uncertain significance. Last evaluated: 2023-08-25. Review status: criteria provided, single submitter. Criteria: Invitae Variant Classification Sherloc (09022015). Collection method: clinical testing. Allele origin: germline.
Comment: This sequence change replaces arginine, which is basic and polar, with lysine, which is basic and polar, at codon 1036 of the ANKRD26 protein (p.Arg1036Lys). In summary, the available evidence is currently insufficient to determine the role of this variant in disease. Therefore, it has been classified as a Variant of Uncertain Significance. An algorithm developed to predict the effect of missense changes on protein structure and function (PolyPhen-2) suggests that this variant is likely to be disruptive. This variant has not been reported in the literature in individuals affected with ANKRD26-related conditions. This variant is present in population databases (rs770274264, gnomAD 0.0009%).